The following is an entry in ClinVar:

NM_014795.4(ZEB2):c.2543G>A (p.Ser848Asn)

Gene: ZEB2 (zinc finger E-box binding homeobox 2; minus strand). Cytogenetic location: 2q22.3.
Variant type: single nucleotide variant.
Coding change: c.2543G>A on transcript NM_014795.4 (MANE Select); coding-DNA position 2543, G replaced by A.
Protein change: p.Ser848Asn; replaces serine 848 with asparagine.
Molecular consequence: missense variant.
Genome position (GRCh38, 1-based): chr2:144,398,644, C>T on the plus strand (G>A on the coding strand, the complement: ZEB2 is on the minus strand). VCF-style: chr2-144398644-C-T. GRCh37 (hg19) VCF-style: chr2-145156211-C-T.
Other names: c.2471G>A, p.Ser824Asn (NM_001171653.2); short protein forms S824N, S848N.
Identifiers: ClinVar variation 2790542 (VCV002790542.3), dbSNP rs1703263166, ClinGen allele CA348708042.

ClinVar aggregate classification (germline): Uncertain significance (1 of 4 stars; one submission).

Conditions:
Mowat-Wilson syndrome (MOWS). Also called: Classic Mowat-Wilson Syndrome. Identifiers: Orphanet 2152, MedGen C1856113, MONDO:0009341, OMIM 235730.

Allele frequency attached by ClinVar (database versions not stated): gnomAD exomes below 0.00001; TOPMed below 0.00001.
gnomAD v4.1: 2 of 1,614,072 alleles (0.00012%); highest among the groups gnomAD compares: Non-Finnish European, 0.00017%; no homozygotes.

Submission:

Labcorp Genetics (formerly Invitae), Labcorp
Classification: Uncertain significance for Mowat-Wilson syndrome. Last evaluated: 2022-12-07. Review status: criteria provided, single submitter. Criteria: Invitae Variant Classification Sherloc (09022015). Collection method: clinical testing. Allele origin: germline.
Comment: Advanced modeling of protein sequence and biophysical properties (such as structural, functional, and spatial information, amino acid conservation, physicochemical variation, residue mobility, and thermodynamic stability) performed at Invitae indicates that this missense variant is not expected to disrupt ZEB2 protein function. In summary, the available evidence is currently insufficient to determine the role of this variant in disease. Therefore, it has been classified as a Variant of Uncertain Significance. This variant has not been reported in the literature in individuals affected with ZEB2-related conditions. This variant is not present in population databases (gnomAD no frequency). This sequence change replaces serine, which is neutral and polar, with asparagine, which is neutral and polar, at codon 848 of the ZEB2 protein (p.Ser848Asn).